The following is an entry in ClinVar:

ClinVar aggregate classification (germline): Uncertain significance (1 of 4 stars; one submission).

Allele frequency attached by ClinVar (database versions not stated): gnomAD 0.00001; gnomAD exomes 0.00002 and 0.00006; ExAC 0.00007.

Submission:

GeneDx
Classification: Uncertain significance. Last evaluated: 2020-07-21. Review status: criteria provided, single submitter. Criteria: GeneDx Variant Classification Process June 2021. Collection method: clinical testing. Allele origin: germline. Affected: yes.
Comment: In silico analysis supports that this missense variant has a deleterious effect on protein structure/function; Has not been previously published as pathogenic or benign to our knowledge

NM_031475.3(ESPN):c.1148G>C (p.Cys383Ser)

Gene: ESPN (espin; plus strand). Cytogenetic location: 1p36.31.
Variant type: single nucleotide variant.
Coding change: c.1148G>C on transcript NM_031475.3 (MANE Select); coding-DNA position 1148, G replaced by C.
Protein change: p.Cys383Ser; replaces cysteine 383 with serine.
Molecular consequence: missense variant.
Genome position (GRCh38, 1-based): chr1:6,444,638, G>C. VCF-style: chr1-6444638-G-C. GRCh37 (hg19) VCF-style: chr1-6504698-G-C.
Other names: c.1148G>C, p.Cys383Ser (NM_001367473.1, NM_001367474.1); short protein forms C383S.
Identifiers: ClinVar variation 1313099 (VCV001313099.2), dbSNP rs756254252, ClinGen allele CA560126.